The following is an entry in ClinVar:

NM_001009944.3(PKD1):c.11600T>A (p.Val3867Asp)

Genes: PKD1 (polycystin 1, transient receptor potential channel interacting; minus strand), PKD1-AS1 (PKD1 antisense RNA 1; plus strand). Cytogenetic location: 16p13.3.
Variant type: single nucleotide variant.
Coding change: c.11600T>A on transcript NM_001009944.3 (MANE Select); coding-DNA position 11600, T replaced by A.
Protein change: p.Val3867Asp; replaces valine 3867 with aspartic acid.
Molecular consequence: missense variant. On other transcripts: non-coding transcript variant (1).
Genome position (GRCh38, 1-based): chr16:2,091,535, A>T on the plus strand (T>A on the coding strand, the complement: PKD1 is on the minus strand). VCF-style: chr16-2091535-A-T. GRCh37 (hg19) VCF-style: chr16-2141536-A-T.
Other names: c.11597T>A, p.Val3866Asp (NM_000296.4); short protein forms V3866D, V3867D.
Identifiers: ClinVar variation 2499827 (VCV002499827.2), dbSNP rs2544614874, ClinGen allele CA394331869.
Genomic context (GRCh38, chr16:2,091,535, plus strand): 5'-GGGCGGACGCTGAGGGCGGCCAGGGCGCGGCCGGCCGCCGGGAACTCGAGGCGCAGCGTG[A>T]CGGCGGCGTGCAGCCCCACGGCCGGGCTGTAGCGCGTGAGCTCCAGGAACACAGCGCGGC-3'
Protein context (NP_001009944.3, residues 3857-3877): YSPAVGLHAA[Val3867Asp]TLRLEFPAAG

ClinVar aggregate classification (germline): Uncertain significance (1 of 4 stars; one submission).

Submission:

GeneDx
Classification: Uncertain significance. Last evaluated: 2023-12-05. Review status: criteria provided, single submitter. Criteria: GeneDx Variant Classification Process June 2021. Collection method: clinical testing. Allele origin: germline.
Comment: Not observed at significant frequency in large population cohorts (gnomAD); In silico analysis supports that this missense variant has a deleterious effect on protein structure/function; Has not been previously published as pathogenic or benign to our knowledge